The following is an entry in ClinVar:

NC_000019.10:g.(?_50401772)_(50403603_?)del

Gene: POLD1 (DNA polymerase delta 1, catalytic subunit; plus strand). Cytogenetic location: 19q13.33.
Variant type: Deletion.
Identifiers: ClinVar variation 537177 (VCV000537177.2).

ClinVar aggregate classification (germline): Uncertain significance (1 of 4 stars; one submission).

Conditions:
POLD1-related polyposis and colorectal cancer syndrome (CRCS10). Also called: Colorectal cancer 10; COLORECTAL CANCER, SUSCEPTIBILITY TO, ON CHROMOSOME 19q; Colorectal cancer, susceptibility to, 10. Identifiers: Orphanet 220460, MedGen C2675481, MONDO:0012953, OMIM 612591.

Submission:

Labcorp Genetics (formerly Invitae), Labcorp
Classification: Uncertain significance for Colorectal cancer 10. Last evaluated: 2019-11-23. Review status: criteria provided, single submitter. Criteria: Invitae Variant Classification Sherloc (09022015). Collection method: clinical testing. Allele origin: germline.
Comment: This variant is an out-of-frame deletion of the genomic region encompassing exons 4-10 of the POLD1 gene. This is expected to create a premature translational stop signal and result in an absent or disrupted protein product. Deletion of exons 4-10 has not been reported in the literature in individuals with POLD1-related disease. Missense variants that disrupt the 3'-5' exonuclease (proof-reading) activity of the POLD1 protein, while not abolishing its polymerase enzyme activity, are associated with an increased risk for colonic adenomatous polyps and colon cancer (PMID: 23263490, 23447401). Loss-of-function truncating variants, which result in an absent or severely disrupted POLD1 protein, are therefore unlikely to be associated with disease. Without further clinical and genetic evidence, however, this variant has been classified as a Variant of Uncertain Significance.

Literature cited by the submitters: PubMed 23263490; PubMed 23447401.